The following is an entry in ClinVar:

ClinVar aggregate classification (germline): Likely benign. Review status: criteria provided, multiple submitters, no conflicts (2 of 4 stars). 4 submissions from 4 submitters: Likely benign (4). Last evaluated 2024-12-16.

Conditions:
Cardiomyopathy (CMYO). Also called: Cardiomyopathies. Identifiers: Orphanet 167848, MedGen C0878544, MONDO:0004994, HP:0001638. Inheritance: Various modes of inheritance.
Cardiovascular phenotype. Identifiers: MedGen CN230736.
Familial isolated arrhythmogenic right ventricular dysplasia. Identifiers: Orphanet 217656, MedGen C4274968, MONDO:0016342.
Arrhythmogenic right ventricular dysplasia 11. Also called: Arrhythmogenic Right Ventricular Dysplasia/Cardiomyopathy11; ARRHYTHMOGENIC RIGHT VENTRICULAR DYSPLASIA, FAMILIAL, 11; Arrhythmogenic right ventricular dysplasia 11 with mild palmoplantar keratoderma and woolly hair. Identifiers: MedGen C1864850, MONDO:0012506, OMIM 610476.

Allele frequency attached by ClinVar (database versions not stated): gnomAD 0.00001; TOPMed 0.00001; gnomAD exomes 0.00001.
gnomAD v4.1: 8 of 1,612,824 alleles (0.0005%); highest among the groups gnomAD compares: Non-Finnish European, 0.00068%; no homozygotes.

Submissions (4):

Labcorp Genetics (formerly Invitae), Labcorp
Classification: Likely benign for Arrhythmogenic right ventricular dysplasia 11. Last evaluated: 2024-12-16. Review status: criteria provided, single submitter. Criteria: Invitae Variant Classification Sherloc (09022015). Collection method: clinical testing. Allele origin: germline.

All of Us Research Program, National Institutes of Health
Classification: Likely benign for Familial isolated arrhythmogenic right ventricular dysplasia. Last evaluated: 2023-10-02. Review status: criteria provided, single submitter. Criteria: ACMG Guidelines, 2015. Collection method: clinical testing. Allele origin: germline. Inheritance: Autosomal dominant inheritance. Observed: 2 variant alleles, 2 heterozygotes.
Comment: This study involves interpretation of variants in research participants for the purpose of population health screening. Participant phenotype was not available at the time of variant classification. Additional details can be found in publication PMID: 35346344, PMCID: PMC8962531

Ambry Genetics
Classification: Likely benign for Cardiovascular phenotype. Last evaluated: 2022-03-19. Review status: criteria provided, single submitter. Criteria: Ambry Variant Classification Scheme 2023. Collection method: clinical testing. Allele origin: germline.

Color Diagnostics, LLC DBA Color Health
Classification: Likely benign for Cardiomyopathy. Last evaluated: 2019-08-19. Review status: criteria provided, single submitter. Criteria: ACMG Guidelines, 2015. Collection method: clinical testing. Allele origin: germline.

NM_024422.6(DSC2):c.975A>G (p.Val325=)

Gene: DSC2 (desmocollin 2; minus strand). Cytogenetic location: 18q12.1.
Variant type: single nucleotide variant.
Coding change: c.975A>G on transcript NM_024422.6 (MANE Select); coding-DNA position 975, A replaced by G.
Protein change: p.Val325=; no amino-acid change (valine 325 retained).
Molecular consequence: synonymous variant.
Genome position (GRCh38, 1-based): chr18:31,083,028, T>C on the plus strand (A>G on the coding strand, the complement: DSC2 is on the minus strand). VCF-style: chr18-31083028-T-C. GRCh37 (hg19) VCF-style: chr18-28662994-T-C.
Other names: c.975A>G, p.Val325= (NM_004949.5).
Identifiers: ClinVar variation 927639 (VCV000927639.8), dbSNP rs1411764092, ClinGen allele CA503387802.
Genomic context (GRCh38, chr18:31,083,028, plus strand): 5'-AATGTTAATGATACAAGTTGAAGTTGTCTGTAGACCAAAATACTGACCATCCATGTCTTG[T>C]ACTTTTATTTTCAACTGGTACTTGTCAATTAACTGAAAACAAAAAAAGAATTTAATTATT-3'
Protein context (NP_077740.1, residues 315-335): LIDKYQLKIK[Val325=]QDMDGQYFGL